The following is an entry in ClinVar:

NM_006940.6(SOX5):c.1201C>A (p.Pro401Thr)

Gene: SOX5 (SRY-box transcription factor 5; minus strand). Cytogenetic location: 12p12.1.
Variant type: single nucleotide variant.
Coding change: c.1201C>A on transcript NM_006940.6 (MANE Select); coding-DNA position 1201, C replaced by A.
Protein change: p.Pro401Thr; replaces proline 401 with threonine.
Molecular consequence: missense variant. On other transcripts: intron variant (1).
Genome position (GRCh38, 1-based): chr12:23,575,802, G>T on the plus strand (C>A on the coding strand, the complement: SOX5 is on the minus strand). VCF-style: chr12-23575802-G-T. GRCh37 (hg19) VCF-style: chr12-23728736-G-T.
Other names: c.1171C>A, p.Pro391Thr (NM_001261415.3); c.1096C>A, p.Pro366Thr (NM_001330785.2); c.1162C>A, p.Pro388Thr (NM_152989.5); c.43C>A, p.Pro15Thr (NM_178010.4); c.1125+28585C>A (NM_001261414.3); short protein forms P15T, P366T, P388T, P391T, P401T.
Identifiers: ClinVar variation 4083017 (VCV004083017.1).

ClinVar aggregate classification (germline): Uncertain significance (1 of 4 stars; one submission).

Submission:

GeneDx
Classification: Uncertain significance. Last evaluated: 2025-03-11. Review status: criteria provided, single submitter. Criteria: GeneDx Variant Classification Process June 2021. Collection method: clinical testing. Allele origin: germline. Affected: yes.
Comment: Not observed at significant frequency in large population cohorts (gnomAD); In silico analysis supports that this missense variant has a deleterious effect on protein structure/function; Has not been previously published as pathogenic or benign to our knowledge